The following is an entry in ClinVar:

NM_001253697.2(ERBIN):c.1594G>T (p.Gly532Cys)

Gene: ERBIN (erbb2 interacting protein; plus strand). Cytogenetic location: 5q12.3.
Variant type: single nucleotide variant.
Coding change: c.1594G>T on transcript NM_001253697.2 (MANE Select); coding-DNA position 1594, G replaced by T.
Protein change: p.Gly532Cys; replaces glycine 532 with cysteine.
Molecular consequence: missense variant. On other transcripts: intron variant (1).
Genome position (GRCh38, 1-based): chr5:66,044,302, G>T. VCF-style: chr5-66044302-G-T. GRCh37 (hg19) VCF-style: chr5-65340130-G-T.
Other names: c.1594G>T, p.Gly532Cys (NM_001006600.3, NM_001253698.2, NM_001253699.2 and 1 more transcripts); c.1590+4G>T (NM_001253701.2); short protein forms G532C.
Identifiers: ClinVar variation 4695544 (VCV004695544.1).
Genomic context (GRCh38, chr5:66,044,302, plus strand): 5'-GAAGACTCAGGAAGAGATTTGAAACCACATGAAGATCAACAAGATATAAATAAAGATGTG[G>T]GTGTGAAGGTTAGAAAATTCAAAAGGATTAACCAAAGCCTATTTCAAGTTCTTATTTTTA-3'
Protein context (NP_001240626.1, residues 522-542): EDQQDINKDV[Gly532Cys]VKTSESTTTV

ClinVar aggregate classification (germline): Uncertain significance (1 of 4 stars; one submission).

gnomAD v4.1: 101 of 1,582,822 alleles (0.0064%); highest among the groups gnomAD compares: Non-Finnish European, 0.0085%; no homozygotes.

Submission:

Labcorp Genetics (formerly Invitae), Labcorp
Classification: Uncertain significance. Last evaluated: 2025-08-25. Review status: criteria provided, single submitter. Criteria: Invitae Variant Classification Sherloc (09022015). Collection method: clinical testing. Allele origin: germline.
Comment: This sequence change replaces glycine, which is neutral and non-polar, with cysteine, which is neutral and slightly polar, at codon 532 of the ERBIN protein (p.Gly532Cys). This variant is present in population databases (rs770108718, gnomAD 0.003%). This variant has not been reported in the literature in individuals affected with ERBIN-related conditions. An algorithm developed to predict the effect of missense changes on protein structure and function (PolyPhen-2) suggests that this variant is likely to be tolerated. In summary, the available evidence is currently insufficient to determine the role of this variant in disease. Therefore, it has been classified as a Variant of Uncertain Significance.